The following is an entry in ClinVar:

ClinVar aggregate classification (germline): Uncertain significance (1 of 4 stars; one submission).

Allele frequency attached by ClinVar (database versions not stated): TOPMed below 0.00001.

Submission:

GeneDx
Classification: Uncertain significance. Last evaluated: 2018-08-18. Review status: criteria provided, single submitter. Criteria: GeneDx Variant Classification Process June 2021. Collection method: clinical testing. Allele origin: germline. Affected: yes.
Comment: Not observed in large population cohorts (Lek et al., 2016); In silico analysis, which includes protein predictors and evolutionary conservation, supports that this variant does not alter protein structure/function; Has not been previously published as pathogenic or benign to our knowledge

NM_001348768.2(HECW2):c.2694C>A (p.Phe898Leu)

Gene: HECW2 (HECT, C2 and WW domain containing E3 ubiquitin protein ligase 2; minus strand). Cytogenetic location: 2q32.3.
Variant type: single nucleotide variant.
Coding change: c.2694C>A on transcript NM_001348768.2 (MANE Select); coding-DNA position 2694, C replaced by A.
Protein change: p.Phe898Leu; replaces phenylalanine 898 with leucine.
Molecular consequence: missense variant.
Genome position (GRCh38, 1-based): chr2:196,306,608, G>T on the plus strand (C>A on the coding strand, the complement: HECW2 is on the minus strand). VCF-style: chr2-196306608-G-T. GRCh37 (hg19) VCF-style: chr2-197171332-G-T.
Other names: c.1626C>A, p.Phe542Leu (NM_001304840.3); c.2694C>A, p.Phe898Leu (NM_020760.4); short protein forms F542L, F898L.
Identifiers: ClinVar variation 1304086 (VCV001304086.2), dbSNP rs1691274480, ClinGen allele CA349961433.